The following is an entry in ClinVar:

ClinVar aggregate classification (germline): Uncertain significance (1 of 4 stars; one submission).

Conditions:
Developmental and epileptic encephalopathy, 34 (DEE34). Also called: Early infantile epileptic encephalopathy 34; SLC12A5-Related Epilepsy of Infancy with Migrating Focal Seizures. Identifiers: Orphanet 293181, MedGen C4225257, MONDO:0014718, OMIM 616645.

Allele frequency attached by ClinVar (database versions not stated): gnomAD 0.00001; gnomAD exomes 0.00001; TOPMed 0.00004.
gnomAD v4.1: 22 of 1,328,772 alleles (0.0017%); highest among the groups gnomAD compares: Middle Eastern, 0.039%; no homozygotes.

Submission:

Labcorp Genetics (formerly Invitae), Labcorp
Classification: Uncertain significance for Developmental and epileptic encephalopathy, 34. Last evaluated: 2022-03-19. Review status: criteria provided, single submitter. Criteria: Invitae Variant Classification Sherloc (09022015). Collection method: clinical testing. Allele origin: germline.
Comment: This sequence change falls in intron 18 of the SLC12A5 gene. It does not directly change the encoded amino acid sequence of the SLC12A5 protein. It affects a nucleotide within the consensus splice site. This variant is present in population databases (no rsID available, gnomAD 0.005%). This variant has not been reported in the literature in individuals affected with SLC12A5-related conditions. ClinVar contains an entry for this variant (Variation ID: 945462). Variants that disrupt the consensus splice site are a relatively common cause of aberrant splicing (PMID: 17576681, 9536098). Algorithms developed to predict the effect of sequence changes on RNA splicing suggest that this variant is not likely to affect RNA splicing. In summary, the available evidence is currently insufficient to determine the role of this variant in disease. Therefore, it has been classified as a Variant of Uncertain Significance.

Literature cited by the submitters: PubMed 17576681; PubMed 9536098.

NM_020708.5(SLC12A5):c.2377+5C>T

Gene: SLC12A5 (solute carrier family 12 member 5; plus strand). Cytogenetic location: 20q13.12.
Variant type: single nucleotide variant.
Coding change: c.2377+5C>T on transcript NM_020708.5 (MANE Select); 5 bases into the intron after coding-DNA position 2377, C replaced by T.
Molecular consequence: intron variant.
Genome position (GRCh38, 1-based): chr20:46,051,875, C>T. VCF-style: chr20-46051875-C-T. GRCh37 (hg19) VCF-style: chr20-44680514-C-T.
Other names: c.2446+5C>T (NM_001134771.2).
Identifiers: ClinVar variation 945462 (VCV000945462.7), dbSNP rs903951175, ClinGen allele CA315642224.